The following is an entry in ClinVar:

ClinVar aggregate classification (germline): Uncertain significance (1 of 4 stars; one submission).

Conditions:
KIDINS220-related disorder. Also called: KIDINS220-related condition.

Submission:

PreventionGenetics, part of Exact Sciences
Classification: Uncertain significance for KIDINS220-related condition. Last evaluated: 2026-07-23. Review status: criteria provided, single submitter. Criteria: ACMG Guidelines, 2015. Collection method: clinical testing. Allele origin: germline.
Comment: The KIDINS220 c.1156C>G variant is predicted to result in the amino acid substitution p.Leu386Val. To our knowledge, this variant has not been reported in the literature or in a large population database (gnomAD), indicating this variant is rare. At this time, the clinical significance of this variant is uncertain due to the absence of conclusive functional and genetic evidence.

NM_020738.4(KIDINS220):c.1156C>G (p.Leu386Val)

Gene: KIDINS220 (kinase D interacting substrate 220; minus strand). Cytogenetic location: 2p25.1.
Variant type: single nucleotide variant.
Coding change: c.1156C>G on transcript NM_020738.4 (MANE Select); coding-DNA position 1156, C replaced by G.
Protein change: p.Leu386Val; replaces leucine 386 with valine.
Molecular consequence: missense variant. On other transcripts: non-coding transcript variant (2).
Genome position (GRCh38, 1-based): chr2:8,793,930, G>C on the plus strand (C>G on the coding strand, the complement: KIDINS220 is on the minus strand). VCF-style: chr2-8793930-G-C. GRCh37 (hg19) VCF-style: chr2-8934060-G-C.
Other names: c.1159C>G, p.Leu387Val (NM_001348729.2, NM_001348731.2, NM_001348734.2 and 3 more transcripts); c.1156C>G, p.Leu386Val (NM_001348732.2, NM_001348735.2, NM_001348738.2 and 3 more transcripts); c.1030C>G, p.Leu344Val (NM_001348736.2); short protein forms L344V, L387V, L386V.
Identifiers: ClinVar variation 4995762 (VCV004995762.1).